The following is an entry in ClinVar:

NM_012418.4(FSCN2):c.1013G>T (p.Trp338Leu)

Gene: FSCN2 (fascin actin-bundling protein 2, retinal; plus strand). Cytogenetic location: 17q25.3.
Variant type: single nucleotide variant.
Coding change: c.1013G>T on transcript NM_012418.4 (MANE Select); coding-DNA position 1013, G replaced by T.
Protein change: p.Trp338Leu; replaces tryptophan 338 with leucine.
Molecular consequence: missense variant.
Genome position (GRCh38, 1-based): chr17:81,536,175, G>T. VCF-style: chr17-81536175-G-T. GRCh37 (hg19) VCF-style: chr17-79503201-G-T.
Other names: c.1013G>T, p.Trp338Leu (NM_001077182.3); short protein forms W338L.
Identifiers: ClinVar variation 2818565 (VCV002818565.3), dbSNP rs2544452729, ClinGen allele CA401476640.

ClinVar aggregate classification (germline): Uncertain significance (1 of 4 stars; one submission).

Submission:

Labcorp Genetics (formerly Invitae), Labcorp
Classification: Uncertain significance. Last evaluated: 2022-12-04. Review status: criteria provided, single submitter. Criteria: Invitae Variant Classification Sherloc (09022015). Collection method: clinical testing. Allele origin: germline.
Comment: In summary, the available evidence is currently insufficient to determine the role of this variant in disease. Therefore, it has been classified as a Variant of Uncertain Significance. Algorithms developed to predict the effect of missense changes on protein structure and function (SIFT, PolyPhen-2, Align-GVGD) all suggest that this variant is likely to be disruptive. This variant has not been reported in the literature in individuals affected with FSCN2-related conditions. This variant is not present in population databases (gnomAD no frequency). This sequence change replaces tryptophan, which is neutral and slightly polar, with leucine, which is neutral and non-polar, at codon 338 of the FSCN2 protein (p.Trp338Leu).